The following is an entry in ClinVar:

NM_012330.4(KAT6B):c.4611C>T (p.Ile1537=)

Gene: KAT6B (lysine acetyltransferase 6B; plus strand). Cytogenetic location: 10q22.2.
Variant type: single nucleotide variant.
Coding change: c.4611C>T on transcript NM_012330.4 (MANE Select); coding-DNA position 4611, C replaced by T.
Protein change: p.Ile1537=; no amino-acid change (isoleucine 1537 retained).
Molecular consequence: synonymous variant.
Genome position (GRCh38, 1-based): chr10:75,029,435, C>T. VCF-style: chr10-75029435-C-T. GRCh37 (hg19) VCF-style: chr10-76789193-C-T.
Other names: c.4062C>T, p.Ile1354= (NM_001256468.2, NM_001370138.1); c.3735C>T, p.Ile1245= (NM_001256469.2, NM_001370139.1, NM_001370140.1 and 2 more transcripts); c.3573C>T, p.Ile1191= (NM_001370132.1); c.2922C>T, p.Ile974= (NM_001370133.1); c.2526C>T, p.Ile842= (NM_001370134.1); c.2268C>T, p.Ile756= (NM_001370135.1); c.4611C>T, p.Ile1537= (NM_001370136.1, NM_001370137.1); c.3546C>T, p.Ile1182= (NM_001370143.1, NM_001370144.1).
Identifiers: ClinVar variation 300891 (VCV000300891.15), dbSNP rs371945178, ClinGen allele CA5565063.

ClinVar aggregate classification (germline): Benign/Likely benign. Review status: criteria provided, multiple submitters, no conflicts (2 of 4 stars). 6 submissions from 6 submitters: Benign (1); Likely benign (4). 1 of the submissions does not count toward it. Last evaluated 2026-01-24.

Conditions:
KAT6B-related disorder. Also called: KAT6B-related disorders; KAT6B-related condition.
Blepharophimosis - intellectual disability syndrome, SBBYS type (SBBYSS). Also called: Ohdo syndrome, SBBYS variant; SBBYSS syndrome; Say-Barber-Biesecker Variant of Ohdo Syndrome; Young Simpson syndrome; Mental retardation unusual facies hypothyroidism; Say-Barber-Biesecker-Young-Simpson variant of Ohdo Syndrome. Identifiers: Orphanet 3047, MedGen C1863557, MONDO:0011365, OMIM 603736.
Genitopatellar syndrome (GTPTS). Also called: Genitopatellar syndrome (GPS); ABSENT PATELLAE, SCROTAL HYPOPLASIA, RENAL ANOMALIES, FACIAL DYSMORPHISM, AND MENTAL RETARDATION. Identifiers: Orphanet 85201, MedGen C1853566, MONDO:0011640, OMIM 606170.

Allele frequency attached by ClinVar (database versions not stated): gnomAD 0.00022 and 0.00024; TOPMed 0.00022; ESP Exome Variant Server 0.00023.
gnomAD v4.1: 632 of 1,613,978 alleles (0.039%); highest among the groups gnomAD compares: Non-Finnish European, 0.052%; no homozygotes.

Submissions (6):

Labcorp Genetics (formerly Invitae), Labcorp
Classification: Likely benign for Genitopatellar syndrome. Last evaluated: 2026-01-24. Review status: criteria provided, single submitter. Criteria: Invitae Variant Classification Sherloc (09022015). Collection method: clinical testing. Allele origin: germline.

Blueprint Genetics
Classification: Likely benign. Last evaluated: 2024-11-05. Review status: criteria provided, single submitter. Criteria: ACMG Guidelines, 2015. Collection method: clinical testing. Allele origin: germline.

Fulgent Genetics
Classification: Likely benign for Blepharophimosis - intellectual disability syndrome, SBBYS type; Genitopatellar syndrome. Last evaluated: 2021-11-02. Review status: criteria provided, single submitter. Criteria: ACMG Guidelines, 2015. Collection method: clinical testing. Allele origin: unknown.

GeneDx
Classification: Benign. Last evaluated: 2020-07-30. Review status: criteria provided, single submitter. Criteria: GeneDx Variant Classification Process June 2021. Collection method: clinical testing. Allele origin: germline. Affected: yes.

Breakthrough Genomics
Classification: Likely benign. Review status: criteria provided, single submitter. Criteria: ACMG Guidelines, 2015. Collection method: not provided. Allele origin: germline. Inheritance: Autosomal dominant inheritance. Affected: yes.

PreventionGenetics, part of Exact Sciences
Classification: Likely benign for KAT6B-related condition. Last evaluated: 2024-04-25. Review status: no assertion criteria provided. Collection method: clinical testing. Allele origin: germline. Not counted in ClinVar's aggregate classification.
Comment: This variant is classified as likely benign based on ACMG/AMP sequence variant interpretation guidelines (Richards et al. 2015 PMID: 25741868, with internal and published modifications).